The following is an entry in ClinVar:

NM_000038.6(APC):c.5763T>C (p.Gly1921=)

Gene: APC (APC regulator of Wnt signaling pathway; plus strand). Cytogenetic location: 5q22.2.
Variant type: single nucleotide variant.
Coding change: c.5763T>C on transcript NM_000038.6 (MANE Select); coding-DNA position 5763, T replaced by C.
Protein change: p.Gly1921=; no amino-acid change (glycine 1921 retained).
Molecular consequence: synonymous variant. On other transcripts: non-coding transcript variant (2).
Genome position (GRCh38, 1-based): chr5:112,841,357, T>C. VCF-style: chr5-112841357-T-C. GRCh37 (hg19) VCF-style: chr5-112177054-T-C.
Other names: c.5763T>C, p.Gly1921= (NM_001127510.3, NM_001354895.2, NM_001407450.1); c.5709T>C, p.Gly1903= (NM_001127511.3); c.5817T>C, p.Gly1939= (NM_001354896.2, NM_001407447.1, NM_001407448.1 and 1 more transcripts); c.5793T>C, p.Gly1931= (NM_001354897.2); c.5688T>C, p.Gly1896= (NM_001354898.2); c.5679T>C, p.Gly1893= (NM_001354899.2); c.5640T>C, p.Gly1880= (NM_001354900.2); c.5586T>C, p.Gly1862= (NM_001354901.2, NM_001407453.1); and 11 more.
Identifiers: ClinVar variation 3253998 (VCV003253998.1), dbSNP rs2149948571.

ClinVar aggregate classification (germline): Benign (1 of 4 stars; one submission).

Conditions:
Familial adenomatous polyposis 1 (FAP1). Also called: POLYPOSIS, ADENOMATOUS INTESTINAL; FAMILIAL ADENOMATOUS POLYPOSIS 1, ATTENUATED. Identifiers: MedGen C2713442, MONDO:0021056, OMIM 175100. Disease mechanism: loss of function.

Submission:

Myriad Genetics, Inc.
Classification: Benign for Familial adenomatous polyposis 1. Last evaluated: 2024-04-02. Review status: criteria provided, single submitter. Criteria: Myriad Autosomal Dominant, Autosomal Recessive and X-Linked Classification Criteria (2023). Collection method: clinical testing. Allele origin: unknown.
Comment: This variant is considered benign. This variant is a silent/synonymous amino acid change and it is not expected to impact splicing.